The following is an entry in ClinVar:

NM_001127222.2(CACNA1A):c.1507G>C (p.Val503Leu)

Gene: CACNA1A (calcium voltage-gated channel subunit alpha1 A; minus strand). Cytogenetic location: 19p13.13.
Variant type: single nucleotide variant.
Coding change: c.1507G>C on transcript NM_001127222.2 (MANE Select); coding-DNA position 1507, G replaced by C.
Protein change: p.Val503Leu; replaces valine 503 with leucine.
Molecular consequence: missense variant.
Genome position (GRCh38, 1-based): chr19:13,317,160, C>G on the plus strand (G>C on the coding strand, the complement: CACNA1A is on the minus strand). VCF-style: chr19-13317160-C-G. GRCh37 (hg19) VCF-style: chr19-13427974-C-G.
Other names: c.1510G>C, p.Val504Leu (NM_000068.4, NM_001127221.2, NM_001174080.2 and 1 more transcripts); short protein forms V503L, V504L.
Identifiers: ClinVar variation 3067643 (VCV003067643.21), dbSNP rs2058144270, ClinGen allele CA404345659.
Genomic context (GRCh38, chr19:13,317,160, plus strand): 5'-GGTGATACTCACAAAGGAAGTCGGAGAGCCACTCGGGCTGGTTGTAGTGAACAATAGCAA[C>G]ACACAGCGTGTTGAGAGCTACCAAACTGAGTACAGTCCAGTAGAAGGCCTGAGTTTTGAC-3'
Protein context (NP_001120694.1, residues 493-513): LSLVALNTLC[Val503Leu]AIVHYNQPEW

ClinVar aggregate classification (germline): Uncertain significance (1 of 4 stars; one submission).

Allele frequency attached by ClinVar (database versions not stated): gnomAD exomes below 0.00001.
gnomAD v4.1: 1 of 1,613,126 alleles (0.000062%); highest among the groups gnomAD compares: Non-Finnish European, 0.000085%; no homozygotes.

Submission:

CeGaT Center for Human Genetics Tuebingen
Classification: Uncertain significance. Last evaluated: 2024-03-01. Review status: criteria provided, single submitter. Criteria: CeGaT Center For Human Genetics Tuebingen Variant Classification Criteria Version 2. Collection method: clinical testing. Allele origin: germline. Affected: yes. Observed: 1 variant allele.
Comment: CACNA1A: PM2, PP2, PP3